The following is an entry in ClinVar:

ClinVar aggregate classification (germline): Conflicting classifications of pathogenicity. Review status: criteria provided, conflicting classifications (1 of 4 stars). 2 submissions from 2 submitters: Uncertain significance (1); Likely benign (1). Last evaluated 2023-12-20.

Conditions:
Inborn genetic diseases. Identifiers: MedGen C0950123, MeSH D030342.

Allele frequency attached by ClinVar (database versions not stated): gnomAD exomes below 0.00001; ExAC 0.00001.
gnomAD v4.1: 1 of 1,614,110 alleles (0.000062%); highest among the groups gnomAD compares: Non-Finnish European, 0.000085%; no homozygotes.

Submissions (2):

Ambry Genetics
Classification: Likely benign for Inborn genetic diseases. Last evaluated: 2023-12-20. Review status: criteria provided, single submitter. Criteria: Ambry Variant Classification Scheme 2023. Collection method: clinical testing. Allele origin: germline.

Labcorp Genetics (formerly Invitae), Labcorp
Classification: Uncertain significance. Last evaluated: 2021-12-16. Review status: criteria provided, single submitter. Criteria: Invitae Variant Classification Sherloc (09022015). Collection method: clinical testing. Allele origin: germline.
Comment: This sequence change replaces asparagine, which is neutral and polar, with serine, which is neutral and polar, at codon 290 of the VDR protein (p.Asn290Ser). This variant is present in population databases (rs776564196, gnomAD 0.0009%). This variant has not been reported in the literature in individuals affected with VDR-related conditions. Algorithms developed to predict the effect of missense changes on protein structure and function output the following: SIFT: "Tolerated"; PolyPhen-2: "Benign"; Align-GVGD: "Class C0". The serine amino acid residue is found in multiple mammalian species, which suggests that this missense change does not adversely affect protein function. Algorithms developed to predict the effect of sequence changes on RNA splicing suggest that this variant may create or strengthen a splice site. In summary, the available evidence is currently insufficient to determine the role of this variant in disease. Therefore, it has been classified as a Variant of Uncertain Significance.

NM_000376.3(VDR):c.869A>G (p.Asn290Ser)

Gene: VDR (vitamin D receptor; minus strand). Cytogenetic location: 12q13.11.
Variant type: single nucleotide variant.
Coding change: c.869A>G on transcript NM_000376.3 (MANE Select); coding-DNA position 869, A replaced by G.
Protein change: p.Asn290Ser; replaces asparagine 290 with serine.
Molecular consequence: missense variant.
Genome position (GRCh38, 1-based): chr12:47,846,695, T>C on the plus strand (A>G on the coding strand, the complement: VDR is on the minus strand). VCF-style: chr12-47846695-T-C. GRCh37 (hg19) VCF-style: chr12-48240478-T-C.
Other names: c.869A>G, p.Asn290Ser (NM_001017535.2, NM_001364085.2, NM_001374661.1 and 1 more transcripts); c.1019A>G, p.Asn340Ser (NM_001017536.2); c.869A>G (NM_001017535.1); short protein forms N290S, N340S.
Identifiers: ClinVar variation 1949259 (VCV001949259.3), dbSNP rs776564196, ClinGen allele CA6533843.
Genomic context (GRCh38, chr12:47,846,695, plus strand): 5'-AGGAGGTGGAGTCTAGGCATACCTTTGGTCACGTCACTGACGCGGTACTTGTAGTCTTGG[T>C]TGCCACAGGTCCAGGACATGTCGTCCATGGTGAAGGACTCATTGGAGCGCAACATGATGA-3'
Protein context (NP_000367.1, residues 280-300): TMDDMSWTCG[Asn290Ser]QDYKYRVSDV